The following is an entry in ClinVar:

ClinVar aggregate classification (germline): Uncertain significance (1 of 4 stars; one submission).

Conditions:
Spastic paraplegia. Identifiers: MedGen C0037772, HP:0001258.

Submission:

Labcorp Genetics (formerly Invitae), Labcorp
Classification: Uncertain significance for Spastic paraplegia. Last evaluated: 2022-09-19. Review status: criteria provided, single submitter. Criteria: Invitae Variant Classification Sherloc (09022015). Collection method: clinical testing. Allele origin: germline.
Comment: This sequence change replaces alanine, which is neutral and non-polar, with aspartic acid, which is acidic and polar, at codon 1209 of the L1CAM protein (p.Ala1209Asp). This variant is not present in population databases (gnomAD no frequency). This variant has not been reported in the literature in individuals affected with L1CAM-related conditions. Advanced modeling of protein sequence and biophysical properties (such as structural, functional, and spatial information, amino acid conservation, physicochemical variation, residue mobility, and thermodynamic stability) has been performed at Invitae for this missense variant, however the output from this modeling did not meet the statistical confidence thresholds required to predict the impact of this variant on L1CAM protein function. In summary, the available evidence is currently insufficient to determine the role of this variant in disease. Therefore, it has been classified as a Variant of Uncertain Significance.

NM_001278116.2(L1CAM):c.3626C>A (p.Ala1209Asp)

Gene: L1CAM (L1 cell adhesion molecule; minus strand). Cytogenetic location: Xq28.
Variant type: single nucleotide variant.
Coding change: c.3626C>A on transcript NM_001278116.2 (MANE Select); coding-DNA position 3626, C replaced by A.
Protein change: p.Ala1209Asp; replaces alanine 1209 with aspartic acid.
Molecular consequence: missense variant.
Genome position (GRCh38, 1-based): chrX:153,862,811, G>T on the plus strand (C>A on the coding strand, the complement: L1CAM is on the minus strand). VCF-style: chrX-153862811-G-T. GRCh37 (hg19) VCF-style: chrX-153128266-G-T.
Other names: c.3626C>A, p.Ala1209Asp (NM_000425.5); c.3599C>A, p.Ala1200Asp (NM_001143963.2); c.3614C>A, p.Ala1205Asp (NM_024003.3); short protein forms A1200D, A1205D, A1209D.
Identifiers: ClinVar variation 1715849 (VCV001715849.3), dbSNP rs2520950387, ClinGen allele CA415107033.
Genomic context (GRCh38, chrX:153,862,811, plus strand): 5'-TACTGGCCAATGAACGAACCATCCTCGTTGAACTGAACATCCACGCTGCCCCCATAATCG[G>T]CCAGGCTGTCGTCACTGCCCAGGGGCTTGATGTCCCCGTTGAGCGATGGCTGGCTGCTGC-3'
Protein context (NP_001265045.1, residues 1199-1219): IKPLGSDDSL[Ala1209Asp]DYGGSVDVQF